The following is an entry in ClinVar:

NM_000712.4(BLVRA):c.246C>G (p.Asp82Glu)

Gene: BLVRA (biliverdin reductase A; plus strand). Cytogenetic location: 7p13.
Variant type: single nucleotide variant.
Coding change: c.246C>G on transcript NM_000712.4 (MANE Select); coding-DNA position 246, C replaced by G.
Protein change: p.Asp82Glu; replaces aspartic acid 82 with glutamic acid.
Molecular consequence: missense variant.
Genome position (GRCh38, 1-based): chr7:43,791,360, C>G. VCF-style: chr7-43791360-C-G. GRCh37 (hg19) VCF-style: chr7-43830959-C-G.
Other names: c.246C>G (NM_000712.3); c.246C>G, p.Asp82Glu (NM_001253823.2); short protein forms D82E.
Identifiers: ClinVar variation 2707348 (VCV002707348.4), dbSNP rs137968736, ClinGen allele CA4234037.
Genomic context (GRCh38, chr7:43,791,360, plus strand): 5'-TCTTTCCAGCCAAGAGGTGGAGGTCGCCTATATCTGCAGTGAGAGCTCCAGCCATGAGGA[C>G]TACATCAGGTGGGTTTTCCACACAGGCAGTCCTTGCCTTACACAGCAGTGCAGTACTGCA-3'
Protein context (NP_000703.2, residues 72-92): YICSESSSHE[Asp82Glu]YIRQFLNAGK

ClinVar aggregate classification (germline): Likely benign. Review status: criteria provided, multiple submitters, no conflicts (2 of 4 stars). 2 submissions from 2 submitters: Likely benign (2). Last evaluated 2026-06-22.

Conditions:
BLVRA-related disorder. Also called: BLVRA-related condition.

Allele frequency attached by ClinVar (database versions not stated): 1000 Genomes Project 30x 0.00078; 1000 Genomes Project 0.00100.
gnomAD v4.1: 451 of 1,614,174 alleles (0.028%); highest among the groups gnomAD compares: African/African-American, 0.2%; no homozygotes.

Submissions (2):

PreventionGenetics, part of Exact Sciences
Classification: Likely benign for BLVRA-related condition. Last evaluated: 2026-06-22. Review status: criteria provided, single submitter. Criteria: ACMG Guidelines, 2015. Collection method: clinical testing. Allele origin: germline.
Comment: This variant is classified as likely benign based on ACMG/AMP sequence variant interpretation guidelines (Richards et al. 2015 PMID: 25741868, with internal and published modifications).

Labcorp Genetics (formerly Invitae), Labcorp
Classification: Likely benign. Last evaluated: 2025-06-29. Review status: criteria provided, single submitter. Criteria: Invitae Variant Classification Sherloc (09022015). Collection method: clinical testing. Allele origin: germline.